The following is an entry in ClinVar:

NM_006361.6(HOXB13):c.128T>C (p.Met43Thr)

Gene: HOXB13 (homeobox B13; minus strand). Cytogenetic location: 17q21.32.
Variant type: single nucleotide variant.
Coding change: c.128T>C on transcript NM_006361.6 (MANE Select); coding-DNA position 128, T replaced by C.
Protein change: p.Met43Thr; replaces methionine 43 with threonine.
Molecular consequence: missense variant.
Genome position (GRCh38, 1-based): chr17:48,728,466, A>G on the plus strand (T>C on the coding strand, the complement: HOXB13 is on the minus strand). VCF-style: chr17-48728466-A-G. GRCh37 (hg19) VCF-style: chr17-46805828-A-G.
Other names: short protein forms M43T.
Identifiers: ClinVar variation 483527 (VCV000483527.12), dbSNP rs1555558690, ClinGen allele CA400109188.

ClinVar aggregate classification (germline): Conflicting classifications of pathogenicity. Review status: criteria provided, conflicting classifications (1 of 4 stars). 2 submissions from 2 submitters: Uncertain significance (1); Likely benign (1). Last evaluated 2024-12-30.

Conditions:
Hereditary cancer-predisposing syndrome. Also called: Neoplastic Syndromes, Hereditary; Tumor predisposition; Hereditary Cancer Syndrome; Hereditary neoplastic syndrome. Identifiers: Orphanet 140162, MedGen C0027672, MeSH D009386, MONDO:0015356.

Submissions (2):

Labcorp Genetics (formerly Invitae), Labcorp
Classification: Uncertain significance. Last evaluated: 2024-12-30. Review status: criteria provided, single submitter. Criteria: Invitae Variant Classification Sherloc (09022015). Collection method: clinical testing. Allele origin: germline.
Comment: This sequence change replaces methionine, which is neutral and non-polar, with threonine, which is neutral and polar, at codon 43 of the HOXB13 protein (p.Met43Thr). This variant is not present in population databases (gnomAD no frequency). This variant has not been reported in the literature in individuals affected with HOXB13-related conditions. ClinVar contains an entry for this variant (Variation ID: 483527). An algorithm developed to predict the effect of missense changes on protein structure and function (PolyPhen-2) suggests that this variant is likely to be tolerated. In summary, the available evidence is currently insufficient to determine the role of this variant in disease. Therefore, it has been classified as a Variant of Uncertain Significance.

Ambry Genetics
Classification: Likely benign for Hereditary cancer-predisposing syndrome. Last evaluated: 2024-11-08. Review status: criteria provided, single submitter. Criteria: Ambry Variant Classification Scheme 2023. Collection method: clinical testing. Allele origin: germline.